The following is an entry in ClinVar:

ClinVar aggregate classification (germline): Uncertain significance (1 of 4 stars; one submission).

Conditions:
Hereditary cancer-predisposing syndrome. Also called: Neoplastic Syndromes, Hereditary; Tumor predisposition; Hereditary Cancer Syndrome; Hereditary neoplastic syndrome. Identifiers: Orphanet 140162, MedGen C0027672, MeSH D009386, MONDO:0015356.

Allele frequency attached by ClinVar (database versions not stated): TOPMed below 0.00001.

Submission:

Ambry Genetics
Classification: Uncertain significance for Hereditary cancer-predisposing syndrome. Last evaluated: 2024-09-10. Review status: criteria provided, single submitter. Criteria: Ambry Variant Classification Scheme 2023. Collection method: clinical testing. Allele origin: germline.
Comment: The p.L617M variant (also known as c.1849C>A), located in coding exon 12 of the CTNNA1 gene, results from a C to A substitution at nucleotide position 1849. The leucine at codon 617 is replaced by methionine, an amino acid with highly similar properties. This amino acid position is conserved. In addition, this alteration is predicted to be tolerated by in silico analysis. The evidence for this gene-disease relationship is limited; therefore, the clinical significance of this alteration is unclear.

NM_001903.5(CTNNA1):c.1849C>A (p.Leu617Met)

Gene: CTNNA1 (catenin alpha 1; plus strand). Cytogenetic location: 5q31.2.
Variant type: single nucleotide variant.
Coding change: c.1849C>A on transcript NM_001903.5 (MANE Select); coding-DNA position 1849, C replaced by A.
Protein change: p.Leu617Met; replaces leucine 617 with methionine.
Molecular consequence: missense variant.
Genome position (GRCh38, 1-based): chr5:138,925,357, C>A. VCF-style: chr5-138925357-C-A. GRCh37 (hg19) VCF-style: chr5-138261046-C-A.
Other names: c.1849C>A, p.Leu617Met (NM_001290307.3, NM_001323982.2, NM_001323983.1 and 2 more transcripts); c.1540C>A, p.Leu514Met (NM_001290309.3); c.1480C>A, p.Leu494Met (NM_001290310.3); c.739C>A, p.Leu247Met (NM_001290312.1, NM_001323987.1, NM_001323988.1 and 17 more transcripts); c.1756C>A, p.Leu586Met (NM_001323986.2); c.400C>A, p.Leu134Met (NM_001324006.1, NM_001324007.1, NM_001324008.1 and 2 more transcripts); c.646C>A, p.Leu216Met (NM_001324011.1); c.496C>A, p.Leu166Met (NM_001324012.1, NM_001324013.1); short protein forms L134M, L216M, L514M, L586M, L247M, L617M, L166M, L494M.
Identifiers: ClinVar variation 1781289 (VCV001781289.3), dbSNP rs1580862124, ClinGen allele CA361132339.